The following is an entry in ClinVar:

NM_001451.3(FOXF1):c.302C>T (p.Ser101Leu)

Gene: FOXF1 (forkhead box F1; plus strand). Cytogenetic location: 16q24.1.
Variant type: single nucleotide variant.
Coding change: c.302C>T on transcript NM_001451.3 (MANE Select); coding-DNA position 302, C replaced by T.
Protein change: p.Ser101Leu; replaces serine 101 with leucine.
Molecular consequence: missense variant.
Genome position (GRCh38, 1-based): chr16:86,510,871, C>T. VCF-style: chr16-86510871-C-T. GRCh37 (hg19) VCF-style: chr16-86544477-C-T.
Other names: short protein forms S101L.
Identifiers: ClinVar variation 997014 (VCV000997014.4), dbSNP rs1969550671, ClinGen allele CA397005917.

ClinVar aggregate classification (germline): Likely pathogenic. Review status: criteria provided, single submitter (1 of 4 stars). 2 submissions from 2 submitters: Likely pathogenic (1). 1 of the submissions does not count toward it.

Conditions:
Alveolar capillary dysplasia with pulmonary venous misalignment. Also called: Alveolar capillary dysplasia with misalignment of pulmonary veins; Congenital alveolar capillary dysplasia; ALVEOLAR CAPILLARY DYSPLASIA WITH MISALIGNMENT OF PULMONARY VEINS AND OTHER CONGENITAL ANOMALIES. Identifiers: Orphanet 210122, MedGen C2960310, MONDO:0009934, OMIM 265380.

Submissions (2):

Juno Genomics, Hangzhou Juno Genomics, Inc
Classification: Likely pathogenic for Alveolar capillary dysplasia with pulmonary venous misalignment. Review status: criteria provided, single submitter. Criteria: ACMG Guidelines, 2015. Collection method: clinical testing. Allele origin: germline. Affected: yes.
Comment: Absent from controls (or at extremely low frequency if recessive) in Genome Aggregation Database, Exome Sequencing Project, 1000 Genomes Project, or Exome Aggregation Consortium.;De novo (both maternity and paternity confirmed) in a patient with the disease and no family history.;The prevalence of the variant in affected individuals is significantly increased compared to the prevalence in controls.;Patient's phenotype or family history is highly specific for a disease with a single genetic etiology.;Multiple lines of computational evidence support a deleterious effect on the gene or gene product (conservation, evolutionary, splicing impact, etc).

Stankiewicz Research Laboratory, Baylor College of Medicine
Classification: Pathogenic for Alveolar capillary dysplasia with pulmonary venous misalignment. Last evaluated: 2021-02-18. Review status: no assertion criteria provided. Collection method: research. Allele origin: de novo. Affected: yes. Observed: 1 variant allele. Not counted in ClinVar's aggregate classification.